The following is an entry in ClinVar:

ClinVar aggregate classification (germline): Pathogenic. Review status: criteria provided, multiple submitters, no conflicts (2 of 4 stars). 2 submissions from 2 submitters: Pathogenic (2). Last evaluated 2025-07-10.

Submissions (2):

Dasa
Classification: Pathogenic. Last evaluated: 2025-07-10. Review status: criteria provided, single submitter. Criteria: DASA Assertion Criteria. Collection method: clinical testing. Allele origin: germline.
Comment: NM_015404.4(WHRN):c.209del (p.Asn70Thrfs*72) introduces a premature termination codon predicted to result in loss of normal protein function. Loss-of-function is an established mechanism of disease for this gene. This variant has been observed in affected individuals with related phenotype in a genotype context consistent with recessive disease. The variant is present at low frequency in population datasets. Based on the available data, this variant is classified as pathogenic.

Labcorp Genetics (formerly Invitae), Labcorp
Classification: Pathogenic. Last evaluated: 2021-08-27. Review status: criteria provided, single submitter. Criteria: Invitae Variant Classification Sherloc (09022015). Collection method: clinical testing. Allele origin: germline.
Comment: This variant is not present in population databases (ExAC no frequency). This sequence change creates a premature translational stop signal (p.Asn70Thrfs*72) in the WHRN gene. It is expected to result in an absent or disrupted protein product. Loss-of-function variants in WHRN are known to be pathogenic (PMID: 12833159, 15841483, 22147658). This variant has not been reported in the literature in individuals affected with WHRN-related conditions. For these reasons, this variant has been classified as Pathogenic.

Literature cited by the submitters: PubMed 12833159 (cited by Labcorp Genetics (formerly Invitae), Labcorp); PubMed 15841483 (cited by Labcorp Genetics (formerly Invitae), Labcorp); PubMed 22147658 (cited by Labcorp Genetics (formerly Invitae), Labcorp).

NM_015404.4(WHRN):c.209del (p.Asn70fs)

Gene: WHRN (whirlin; minus strand). Cytogenetic location: 9q32.
Variant type: Deletion.
Coding change: c.209del on transcript NM_015404.4 (MANE Select); coding-DNA position 209, one base deleted (A; older notation c.209delA).
Protein change: p.Asn70fs; shifts the reading frame from asparagine 70.
Molecular consequence: frameshift variant.
Genome position (GRCh38, 1-based): chr9:114,504,593, T deleted on the plus strand (A on the coding strand, the reverse complement: WHRN is on the minus strand); the first of 2 consecutive T bases (chr9:114,504,593-114,504,594); deleting either gives the same sequence. VCF-style (leftmost placement, unchanged base first): chr9-114504592-GT-G. GRCh37 (hg19) VCF-style: chr9-117266872-GT-G.
Other names: c.209del, p.Asn70fs (NM_001173425.2); short protein forms N70fs.
Identifiers: ClinVar variation 1446808 (VCV001446808.7), dbSNP rs1844239683, ClinGen allele CA1873872012.